The following is an entry in ClinVar:

ClinVar aggregate classification (germline): Uncertain significance. Review status: criteria provided, multiple submitters, no conflicts (2 of 4 stars). 2 submissions from 2 submitters: Uncertain significance (2). Last evaluated 2024-11-11.

Conditions:
Retinal dystrophy. Also called: Inherited retinal dystrophy. Identifiers: Orphanet 71862, MedGen C0854723, MeSH D058499, MONDO:0019118, HP:0000556.

Allele frequency attached by ClinVar (database versions not stated): gnomAD exomes 0.00001; TOPMed 0.00001.
gnomAD v4.1: 8 of 1,614,150 alleles (0.0005%); highest among the groups gnomAD compares: East Asian, 0.0045%; no homozygotes.

Submissions (2):

Labcorp Genetics (formerly Invitae), Labcorp
Classification: Uncertain significance. Last evaluated: 2024-11-11. Review status: criteria provided, single submitter. Criteria: Invitae Variant Classification Sherloc (09022015). Collection method: clinical testing. Allele origin: germline.
Comment: This sequence change replaces arginine, which is basic and polar, with glutamine, which is neutral and polar, at codon 968 of the CNGB1 protein (p.Arg968Gln). This variant is not present in population databases (gnomAD no frequency). This missense change has been observed in individual(s) with CNGB1-related conditions (PMID: 36460718). ClinVar contains an entry for this variant (Variation ID: 1004483). Invitae Evidence Modeling of protein sequence and biophysical properties (such as structural, functional, and spatial information, amino acid conservation, physicochemical variation, residue mobility, and thermodynamic stability) indicates that this missense variant is not expected to disrupt CNGB1 protein function with a negative predictive value of 80%. In summary, the available evidence is currently insufficient to determine the role of this variant in disease. Therefore, it has been classified as a Variant of Uncertain Significance.

Dept Of Ophthalmology, Nagoya University
Classification: Uncertain significance for Retinal dystrophy. Last evaluated: 2023-10-01. Review status: criteria provided, single submitter. Criteria: Submitter's publication. Collection method: research. Allele origin: germline. Affected: yes.

Literature cited by the submitters: PubMed 36460718 (cited by Labcorp Genetics (formerly Invitae), Labcorp).

NM_001297.5(CNGB1):c.2903G>A (p.Arg968Gln)

Gene: CNGB1 (cyclic nucleotide gated channel subunit beta 1; minus strand). Cytogenetic location: 16q21.
Variant type: single nucleotide variant.
Coding change: c.2903G>A on transcript NM_001297.5 (MANE Select); coding-DNA position 2903, G replaced by A.
Protein change: p.Arg968Gln; replaces arginine 968 with glutamine.
Molecular consequence: missense variant.
Genome position (GRCh38, 1-based): chr16:57,901,425, C>T on the plus strand (G>A on the coding strand, the complement: CNGB1 is on the minus strand). VCF-style: chr16-57901425-C-T. GRCh37 (hg19) VCF-style: chr16-57935329-C-T.
Other names: c.2885G>A, p.Arg962Gln (NM_001286130.2); short protein forms R962Q, R968Q.
Identifiers: ClinVar variation 1004483 (VCV001004483.8), dbSNP rs1960384039, ClinGen allele CA396055784.